The following is an entry in ClinVar:

NM_139076.3(ABRAXAS1):c.476+18A>T

Gene: ABRAXAS1 (abraxas 1, BRCA1 A complex subunit; minus strand). Cytogenetic location: 4q21.23.
Variant type: single nucleotide variant.
Coding change: c.476+18A>T on transcript NM_139076.3 (MANE Select); 18 bases into the intron after coding-DNA position 476, A replaced by T.
Molecular consequence: intron variant.
Genome position (GRCh38, 1-based): chr4:83,470,185, T>A on the plus strand (A>T on the coding strand, the complement: ABRAXAS1 is on the minus strand). VCF-style: chr4-83470185-T-A. GRCh37 (hg19) VCF-style: chr4-84391338-T-A.
Other names: c.149+18A>T (NM_001345962.2).
Identifiers: ClinVar variation 182462 (VCV000182462.11), dbSNP rs199567861, ClinGen allele CA299126.

ClinVar aggregate classification (germline): Benign. Review status: criteria provided, multiple submitters, no conflicts (2 of 4 stars). 3 submissions from 3 submitters: Benign (3). Last evaluated 2026-01-20.

Allele frequency attached by ClinVar (database versions not stated): ExAC 0.00112; gnomAD exomes 0.00147 and 0.00066; ESP Exome Variant Server 0.00077; TOPMed 0.00087; gnomAD 0.00091 and 0.00096.
gnomAD v4.1: 1,182 of 1,590,134 alleles (0.074%); highest among the groups gnomAD compares: Middle Eastern, 0.017%; 8 homozygotes.

Submissions (3):

Labcorp Genetics (formerly Invitae), Labcorp
Classification: Benign. Last evaluated: 2026-01-20. Review status: criteria provided, single submitter. Criteria: Invitae Variant Classification Sherloc (09022015). Collection method: clinical testing. Allele origin: germline.

GeneDx
Classification: Benign. Last evaluated: 2013-10-11. Review status: criteria provided, single submitter. Criteria: GeneDx Variant Classification (06012015). Collection method: clinical testing. Allele origin: germline. Affected: yes.
Comment: This variant is considered likely benign or benign based on one or more of the following criteria: it is a conservative change, it occurs at a poorly conserved position in the protein, it is predicted to be benign by multiple in silico algorithms, and/or has population frequency not consistent with disease.

Breakthrough Genomics
Classification: Benign. Review status: criteria provided, single submitter. Criteria: ACMG Guidelines, 2015. Collection method: not provided. Allele origin: germline. Inheritance: Unknown mechanism. Affected: yes.